The following is an entry in ClinVar:

NM_003597.5(KLF11):c.*107G>A

Gene: KLF11 (KLF transcription factor 11; plus strand). Cytogenetic location: 2p25.1.
Variant type: single nucleotide variant.
Coding change: c.*107G>A on transcript NM_003597.5 (MANE Select); 107 bases downstream of the stop codon, G replaced by A.
Molecular consequence: 3 prime UTR variant.
Genome position (GRCh38, 1-based): chr2:10,052,614, G>A. VCF-style: chr2-10052614-G-A. GRCh37 (hg19) VCF-style: chr2-10192741-G-A.
Other names: c.*107G>A (NM_001177716.2, NM_001177718.2).
Identifiers: ClinVar variation 330642 (VCV000330642.5), dbSNP rs140559044, ClinGen allele CA10610922.

ClinVar aggregate classification (germline): Benign (1 of 4 stars; one submission).

Conditions:
Maturity-onset diabetes of the young type 7 (MODY7). Identifiers: Orphanet 552, MedGen C1864839, MONDO:0012513, OMIM 610508.

Allele frequency attached by ClinVar (database versions not stated): 1000 Genomes Project 30x 0.00437; 1000 Genomes Project 0.00459; gnomAD 0.00567 and 0.00616; TOPMed 0.00615.
gnomAD v4.1: 1,522 of 1,213,838 alleles (0.13%); highest among the groups gnomAD compares: African/African-American, 2%; 16 homozygotes.

Submission:

Illumina Laboratory Services, Illumina
Classification: Benign for Maturity-onset diabetes of the young type 7. Last evaluated: 2018-01-12. Review status: criteria provided, single submitter. Criteria: ICSL Variant Classification Criteria 13 December 2019. Collection method: clinical testing. Allele origin: germline.
Comment: This variant was observed in the ICSL laboratory as part of a predisposition screen in an ostensibly healthy population. It had not been previously curated by ICSL or reported in the Human Gene Mutation Database (HGMD: prior to June 1st, 2018), and was therefore a candidate for classification through an automated scoring system. Utilizing variant allele frequency, disease prevalence and penetrance estimates, and inheritance mode, an automated score was calculated to assess if this variant is too frequent to cause the disease. Based on the score and internal cut-off values, a variant classified as benign is not then subjected to further curation. The score for this variant resulted in a classification of benign for this disease.